The following is an entry in ClinVar:

NM_000321.3(RB1):c.-2T>A

Gene: RB1 (RB transcriptional corepressor 1; plus strand). Cytogenetic location: 13q14.2.
Variant type: single nucleotide variant.
Coding change: c.-2T>A on transcript NM_000321.3 (MANE Select); 2 bases upstream of the start codon, T replaced by A.
Molecular consequence: 5 prime UTR variant.
Genome position (GRCh38, 1-based): chr13:48,303,911, T>A. VCF-style: chr13-48303911-T-A. GRCh37 (hg19) VCF-style: chr13-48878047-T-A.
Other names: c.-2T>A (NM_001407165.1, NM_001407166.1, NM_001407167.1).
Identifiers: ClinVar variation 1798670 (VCV001798670.2), dbSNP rs1466986201, ClinGen allele CA2580087707.
Genomic context (GRCh38, chr13:48,303,911, plus strand): 5'-GCGCGCGTCGTCCTCCCCGGCGCTCCTCCACAGCTCGCTGGCTCCCGCCGCGGAAAGGCG[T>A]CATGCCGCCCAAAACCCCCCGAAAAACGGCCGCCACCGCCGCCGCTGCCGCCGCGGAACC-3'

ClinVar aggregate classification (germline): Uncertain significance (1 of 4 stars; one submission).

Conditions:
Hereditary cancer-predisposing syndrome. Also called: Neoplastic Syndromes, Hereditary; Tumor predisposition; Hereditary Cancer Syndrome; Hereditary neoplastic syndrome. Identifiers: Orphanet 140162, MedGen C0027672, MeSH D009386, MONDO:0015356.

Submission:

Ambry Genetics
Classification: Uncertain significance for Hereditary cancer-predisposing syndrome. Last evaluated: 2021-01-14. Review status: criteria provided, single submitter. Criteria: Ambry Variant Classification Scheme 2023. Collection method: clinical testing. Allele origin: germline.
Comment: The c.-2T>A variant is located in the 5' untranslated region (5&rsquo; UTR) of the RB1 gene. This variant results from a T to A substitution 2 bases upstream from the first translated codon. This nucleotide position is highly conserved in available vertebrate species. Since supporting evidence is limited at this time, the clinical significance of this alteration remains unclear.